The following is an entry in ClinVar:

NM_032776.3(JMJD1C):c.1216A>G (p.Thr406Ala)

Gene: JMJD1C (jumonji domain containing 1C; minus strand). Cytogenetic location: 10q21.3.
Variant type: single nucleotide variant.
Coding change: c.1216A>G on transcript NM_032776.3 (MANE Select); coding-DNA position 1216, A replaced by G.
Protein change: p.Thr406Ala; replaces threonine 406 with alanine.
Molecular consequence: missense variant. On other transcripts: non-coding transcript variant (1).
Genome position (GRCh38, 1-based): chr10:63,214,951, T>C on the plus strand (A>G on the coding strand, the complement: JMJD1C is on the minus strand). VCF-style: chr10-63214951-T-C. GRCh37 (hg19) VCF-style: chr10-64974711-T-C.
Other names: c.670A>G, p.Thr224Ala (NM_001282948.2, NM_001318154.2); c.352A>G, p.Thr118Ala (NM_001318153.2); c.1102A>G, p.Thr368Ala (NM_001322252.2); c.559A>G, p.Thr187Ala (NM_001322254.2, NM_001322258.2); short protein forms T187A, T368A, T118A, T224A, T406A.
Identifiers: ClinVar variation 945573 (VCV000945573.9), dbSNP rs1847808580, ClinGen allele CA377050289.

ClinVar aggregate classification (germline): Uncertain significance (1 of 4 stars; one submission).

Conditions:
Early Myoclonic Encephalopathy. Identifiers: MedGen C0270855.

Submission:

Labcorp Genetics (formerly Invitae), Labcorp
Classification: Uncertain significance for Early Myoclonic Encephalopathy. Last evaluated: 2019-04-04. Review status: criteria provided, single submitter. Criteria: Invitae Variant Classification Sherloc (09022015). Collection method: clinical testing. Allele origin: germline.
Comment: In summary, the available evidence is currently insufficient to determine the role of this variant in disease. Therefore, it has been classified as a Variant of Uncertain Significance. Algorithms developed to predict the effect of missense changes on protein structure and function are either unavailable or do not agree on the potential impact of this missense change (SIFT: "Deleterious"; PolyPhen-2: "Benign"; Align-GVGD: "Class C0"). This variant has not been reported in the literature in individuals with JMJD1C-related conditions. This variant is not present in population databases (ExAC no frequency). This sequence change replaces threonine with alanine at codon 406 of the JMJD1C protein (p.Thr406Ala). The threonine residue is moderately conserved and there is a small physicochemical difference between threonine and alanine.